The following is an entry in ClinVar:

NM_024334.3(TMEM43):c.844A>G (p.Thr282Ala)

Gene: TMEM43 (transmembrane protein 43; plus strand). Cytogenetic location: 3p25.1.
Variant type: single nucleotide variant.
Coding change: c.844A>G on transcript NM_024334.3 (MANE Select); coding-DNA position 844, A replaced by G.
Protein change: p.Thr282Ala; replaces threonine 282 with alanine.
Molecular consequence: missense variant.
Genome position (GRCh38, 1-based): chr3:14,135,870, A>G. VCF-style: chr3-14135870-A-G. GRCh37 (hg19) VCF-style: chr3-14177370-A-G.
Other names: c.847A>G, p.Thr283Ala (NM_001407274.1); c.841A>G, p.Thr281Ala (NM_001407275.1, NM_001407277.1); c.844A>G, p.Thr282Ala (NM_001407276.1); c.829A>G, p.Thr277Ala (NM_001407278.1); c.769A>G, p.Thr257Ala (NM_001407279.1); c.694A>G, p.Thr232Ala (NM_001407280.1); short protein forms T232A, T257A, T277A, T281A, T282A, T283A.
Identifiers: ClinVar variation 1805059 (VCV001805059.8), dbSNP rs756294633, ClinGen allele CA69732211.

ClinVar aggregate classification (germline): Conflicting classifications of pathogenicity. Review status: criteria provided, conflicting classifications (1 of 4 stars). 5 submissions from 5 submitters: Uncertain significance (4); Likely benign (1). Last evaluated 2025-11-01.

Conditions:
Cardiomyopathy (CMYO). Also called: Cardiomyopathies. Identifiers: Orphanet 167848, MedGen C0878544, MONDO:0004994, HP:0001638. Inheritance: Various modes of inheritance.
Arrhythmogenic right ventricular dysplasia 5. Also called: ARRHYTHMOGENIC RIGHT VENTRICULAR DYSPLASIA, FAMILIAL, 5; Arrhythmogenic Right Ventricular Dysplasia/Cardiomyopathy 5. Identifiers: MedGen C1858379, MONDO:0011459, OMIM 604400.

Allele frequency attached by ClinVar (database versions not stated): TOPMed below 0.00001; gnomAD 0.00002.
gnomAD v4.1: 39 of 1,614,038 alleles (0.0024%); highest among the groups gnomAD compares: Non-Finnish European, 0.0031%; no homozygotes.

Submissions (5):

Labcorp Genetics (formerly Invitae), Labcorp
Classification: Uncertain significance for Arrhythmogenic right ventricular dysplasia 5. Last evaluated: 2025-11-01. Review status: criteria provided, single submitter. Criteria: Invitae Variant Classification Sherloc (09022015). Collection method: clinical testing. Allele origin: germline.
Comment: This sequence change replaces threonine, which is neutral and polar, with alanine, which is neutral and non-polar, at codon 282 of the TMEM43 protein (p.Thr282Ala). This variant is present in population databases (rs756294633, gnomAD 0.002%). This variant has not been reported in the literature in individuals affected with TMEM43-related conditions. ClinVar contains an entry for this variant (Variation ID: 1805059). Invitae Evidence Modeling of protein sequence and biophysical properties (such as structural, functional, and spatial information, amino acid conservation, physicochemical variation, residue mobility, and thermodynamic stability) indicates that this missense variant is not expected to disrupt TMEM43 protein function with a negative predictive value of 80%. In summary, the available evidence is currently insufficient to determine the role of this variant in disease. Therefore, it has been classified as a Variant of Uncertain Significance.

Color Diagnostics, LLC DBA Color Health
Classification: Uncertain significance for Cardiomyopathy. Last evaluated: 2024-03-06. Review status: criteria provided, single submitter. Criteria: ACMG Guidelines, 2015. Collection method: clinical testing. Allele origin: germline.
Comment: This missense variant replaces threonine with alanine at codon 282 of the TMEM43 protein. Computational prediction suggests that this variant may not impact protein structure and function (internally defined REVEL score threshold <= 0.5, PMID: 27666373). To our knowledge, functional studies have not been reported for this variant. This variant has not been reported in individuals affected with TMEM43-related disorders in the literature. This variant has been identified in 2/281826 chromosomes in the general population by the Genome Aggregation Database (gnomAD). The available evidence is insufficient to determine the role of this variant in disease conclusively. Therefore, this variant is classified as a Variant of Uncertain Significance.

Blueprint Genetics
Classification: Likely benign. Last evaluated: 2023-06-19. Review status: criteria provided, single submitter. Criteria: ACMG Guidelines, 2015. Collection method: clinical testing. Allele origin: germline.

All of Us Research Program, National Institutes of Health
Classification: Uncertain significance for Arrhythmogenic right ventricular dysplasia 5. Last evaluated: 2023-05-16. Review status: criteria provided, single submitter. Criteria: ACMG Guidelines, 2015. Collection method: clinical testing. Allele origin: germline. Inheritance: Autosomal dominant inheritance. Observed: 1 variant allele, 1 heterozygote.
Comment: This missense variant replaces threonine with alanine at codon 282 of the TMEM43 protein. Computational prediction suggests that this variant may not impact protein structure and function (internally defined REVEL score threshold <= 0.5, PMID: 27666373). To our knowledge, functional studies have not been reported for this variant. This variant has not been reported in individuals affected with TMEM43-related disorders in the literature. This variant has been identified in 2/281826 chromosomes in the general population by the Genome Aggregation Database (gnomAD). The available evidence is insufficient to determine the role of this variant in disease conclusively. Therefore, this variant is classified as a Variant of Uncertain Significance.

This study involves interpretation of variants in research participants for the purpose of population health screening. Participant phenotype was not available at the time of variant classification. Additional details can be found in publication PMID: 35346344, PMCID: PMC8962531

Victorian Clinical Genetics Services, Murdoch Childrens Research Institute
Classification: Uncertain significance for Arrhythmogenic right ventricular dysplasia 5. Last evaluated: 2022-02-02. Review status: criteria provided, single submitter. Criteria: ACMG Guidelines, 2015. Collection method: clinical testing. Allele origin: germline. Inheritance: Autosomal dominant inheritance. Affected: yes.
Comment: Based on the classification scheme VCGS_Germline_v1.3.4, this variant is classified as VUS-3C. Following criteria are met: 0105 - The mechanism of disease for this gene is not clearly established. (I) 0107 - This gene is associated with autosomal dominant disease. (I) 0200 - Variant is predicted to result in a missense amino acid change from threonine to alanine. (I) 0251 - This variant is heterozygous. (I) 0302 - Variant is present in gnomAD (v3) <0.001 for a dominant condition (3 heterozygotes, 0 homozygotes). (SP) 0309 - An alternative amino acid change at the same position has been observed in gnomAD (v2; 2 heterozygotes, 0 homozygotes). (I) 0503 - Missense variant consistently predicted to be tolerated by multiple in silico tools or not conserved in placental mammals with a minor amino acid change. (SB) 0600 - Variant is located in the annotated TMEM43 domain (Pfam). (I) 0705 - No comparable missense variants have previous evidence for pathogenicity. (I) 0809 - Previous evidence of pathogenicity for this variant is inconclusive. This variant is reported in the ARVD/C database and LOVD as a VUS, and also in LOVD as likely benign, with no supporting information. (I) 0905 - No published segregation evidence has been identified for this variant. (I) 1007 - No published functional evidence has been identified for this variant. (I) 1208 - Inheritance information for this variant is not currently available in this individual. (I) Legend: (SP) - Supporting pathogenic, (I) - Information, (SB) - Supporting benign